The following is an entry in ClinVar:

NM_001379500.1(COL18A1):c.151C>G (p.Pro51Ala)

Gene: COL18A1 (collagen type XVIII alpha 1 chain; plus strand). Cytogenetic location: 21q22.3.
Variant type: single nucleotide variant.
Coding change: c.151C>G on transcript NM_001379500.1 (MANE Select); coding-DNA position 151, C replaced by G.
Protein change: p.Pro51Ala; replaces proline 51 with alanine.
Molecular consequence: missense variant.
Genome position (GRCh38, 1-based): chr21:45,468,286, C>G. VCF-style: chr21-45468286-C-G. GRCh37 (hg19) VCF-style: chr21-46888200-C-G.
Other names: c.691C>G, p.Pro231Ala (NM_030582.4); c.1396C>G, p.Pro466Ala (NM_130444.3); short protein forms P231A, P466A, P51A.
Identifiers: ClinVar variation 1476225 (VCV001476225.4), dbSNP rs1404898003, ClinGen allele CA410511451.

ClinVar aggregate classification (germline): Uncertain significance (1 of 4 stars; one submission).

Allele frequency attached by ClinVar (database versions not stated): TOPMed below 0.00001; gnomAD 0.00001.
gnomAD v4.1: 7 of 1,613,106 alleles (0.00043%); highest among the groups gnomAD compares: Non-Finnish European, 0.00059%; no homozygotes.

Submission:

Labcorp Genetics (formerly Invitae), Labcorp
Classification: Uncertain significance. Last evaluated: 2024-01-02. Review status: criteria provided, single submitter. Criteria: Invitae Variant Classification Sherloc (09022015). Collection method: clinical testing. Allele origin: germline.
Comment: This sequence change replaces proline with alanine at codon 51 of the COL18A1 protein (p.Pro51Ala). This variant is not present in population databases (gnomAD no frequency). This variant has not been reported in the literature in individuals affected with COL18A1-related conditions. ClinVar contains an entry for this variant (Variation ID: 1476225). Experimental studies and prediction algorithms are not available or were not evaluated, and the functional significance of this variant is currently unknown. In summary, the available evidence is currently insufficient to determine the role of this variant in disease. Therefore, it has been classified as a Variant of Uncertain Significance.